The following is an entry in ClinVar:

ClinVar aggregate classification (germline): Uncertain significance (1 of 4 stars; one submission).

Allele frequency attached by ClinVar (database versions not stated): gnomAD 0.00001; TOPMed 0.00005; 1000 Genomes Project 0.00020; 1000 Genomes Project 30x 0.00031.
gnomAD v4.1: 6 of 1,609,950 alleles (0.00037%); highest among the groups gnomAD compares: African/African-American, 0.0067%; no homozygotes.

Submission:

Labcorp Genetics (formerly Invitae), Labcorp
Classification: Uncertain significance. Last evaluated: 2025-04-29. Review status: criteria provided, single submitter. Criteria: Invitae Variant Classification Sherloc (09022015). Collection method: clinical testing. Allele origin: germline.
Comment: This sequence change replaces alanine, which is neutral and non-polar, with threonine, which is neutral and polar, at codon 986 of the DSG1 protein (p.Ala986Thr). This variant is present in population databases (rs554746104, gnomAD 0.02%). This variant has not been reported in the literature in individuals affected with DSG1-related conditions. ClinVar contains an entry for this variant (Variation ID: 1934704). An algorithm developed to predict the effect of missense changes on protein structure and function outputs the following: PolyPhen-2: "Benign". The threonine amino acid residue is found in multiple mammalian species, which suggests that this missense change does not adversely affect protein function. In summary, the available evidence is currently insufficient to determine the role of this variant in disease. Therefore, it has been classified as a Variant of Uncertain Significance.

NM_001942.4(DSG1):c.2956G>A (p.Ala986Thr)

Genes: DSG1 (desmoglein 1; plus strand), DSG1-AS1 (DSG1 antisense RNA 1; minus strand). Cytogenetic location: 18q12.1.
Variant type: single nucleotide variant.
Coding change: c.2956G>A on transcript NM_001942.4 (MANE Select); coding-DNA position 2956, G replaced by A.
Protein change: p.Ala986Thr; replaces alanine 986 with threonine.
Molecular consequence: missense variant.
Genome position (GRCh38, 1-based): chr18:31,355,152, G>A. VCF-style: chr18-31355152-G-A. GRCh37 (hg19) VCF-style: chr18-28935115-G-A.
Other names: short protein forms A986T.
Identifiers: ClinVar variation 1934704 (VCV001934704.5), dbSNP rs554746104, ClinGen allele CA8926483.
Genomic context (GRCh38, chr18:31,355,152, plus strand): 5'-GGCACCACTGGGATCAGCGGTGGCATAGGCAGCAGTGGCCTGGTTGGCACCAGCATGGGT[G>A]CTGGGAGCGGTGCCCTGAGTGGAGCTGGCATAAGTGGTGGTGGCATTGGCCTGAGCAGCT-3'
Protein context (NP_001933.2, residues 976-996): SSGLVGTSMG[Ala986Thr]GSGALSGAGI